The following is an entry in ClinVar:

NM_001085049.3(MRAS):c.589G>T (p.Ala197Ser)

Gene: MRAS (muscle RAS oncogene homolog; plus strand). Cytogenetic location: 3q22.3.
Variant type: single nucleotide variant.
Coding change: c.589G>T on transcript NM_001085049.3 (MANE Select); coding-DNA position 589, G replaced by T.
Protein change: p.Ala197Ser; replaces alanine 197 with serine.
Molecular consequence: missense variant.
Genome position (GRCh38, 1-based): chr3:138,402,231, G>T. VCF-style: chr3-138402231-G-T. GRCh37 (hg19) VCF-style: chr3-138121073-G-T.
Other names: p.Ala197Ser; c.589G>T, p.Ala197Ser (NM_001252090.2, NM_012219.4); c.361G>T, p.Ala121Ser (NM_001252091.1, NM_001252092.2, NM_001252093.2); short protein forms A197S, A121S.
Identifiers: ClinVar variation 4540930 (VCV004540930.1).

ClinVar aggregate classification (germline): Uncertain significance (1 of 4 stars; one submission).

Submission:

Mayo Clinic Laboratories, Mayo Clinic
Classification: Uncertain significance. Last evaluated: 2025-04-28. Review status: criteria provided, single submitter. Criteria: ACMG Guidelines, 2015. Collection method: clinical testing. Allele origin: germline. Observed: 1 variant allele.
Comment: BP4_moderate, BP5, PM2_supporting